The following is an entry in ClinVar:

NM_000051.4(ATM):c.2819A>C (p.Lys940Thr)

Gene: ATM (ATM serine/threonine kinase; plus strand). Cytogenetic location: 11q22.3.
Variant type: single nucleotide variant.
Coding change: c.2819A>C on transcript NM_000051.4 (MANE Select); coding-DNA position 2819, A replaced by C.
Protein change: p.Lys940Thr; replaces lysine 940 with threonine.
Molecular consequence: missense variant.
Genome position (GRCh38, 1-based): chr11:108,268,590, A>C. VCF-style: chr11-108268590-A-C. GRCh37 (hg19) VCF-style: chr11-108139317-A-C.
Other names: c.2819A>C, p.Lys940Thr (NM_001351834.2); short protein forms K940T.
Identifiers: ClinVar variation 649794 (VCV000649794.18), dbSNP rs762078586, ClinGen allele CA382545770.
Genomic context (GRCh38, chr11:108,268,590, plus strand): 5'-CAGCTGATATTCGGAGGAAATTGTTAATGTTAATTGATTCTAGCACGCTAGAACCTACCA[A>C]ATCCCTCCACCTGCATATGGTGAGTTACGTTAAATGAAGAAGCTCTTGGATTTTATCTGA-3'
Protein context (NP_000042.3, residues 930-950): LIDSSTLEPT[Lys940Thr]SLHLHMYLML

ClinVar aggregate classification (germline): Uncertain significance. Review status: criteria provided, multiple submitters, no conflicts (2 of 4 stars). 6 submissions from 6 submitters: Uncertain significance (6). Last evaluated 2026-03-29.

Conditions:
Ataxia-telangiectasia syndrome (AT). Also called: LOUIS-BAR SYNDROME; Ataxia telangiectasia (A-T); Ataxia-telangiectasia, complementation group E; Ataxia-telangiectasia, complementation group D; AT, COMPLEMENTATION GROUP C; ATAXIA-TELANGIECTASIA, COMPLEMENTATION GROUP A. Identifiers: Orphanet 100, MedGen C0004135, MONDO:0008840, OMIM 208900.
Hereditary cancer-predisposing syndrome. Also called: Hereditary Cancer Syndrome; Hereditary neoplastic syndrome; Tumor predisposition; Neoplastic Syndromes, Hereditary. Identifiers: Orphanet 140162, MedGen C0027672, MeSH D009386, MONDO:0015356.
Familial cancer of breast. Also called: hereditary breast carcinoma; Hereditary breast cancer; BREAST CANCER, FAMILIAL. Identifiers: Orphanet 227535, MedGen C0346153, MONDO:0016419, OMIM 114480. Disease mechanism: loss of function.
ATM-related cancer predisposition. Also called: ATM-related cancer susceptibility. Identifiers: MedGen CN377759, MONDO:0700270.

Submissions (6):

Dasa
Classification: Uncertain significance for ATM-related cancer predisposition. Last evaluated: 2026-03-29. Review status: criteria provided, single submitter. Criteria: DASA Assertion Criteria. Collection method: clinical testing. Allele origin: germline.
Comment: NM_000051.4(ATM):c.2819A>C (p.Lys940Thr) is a missense variant that results in the substitution of lysine with threonine. This variant is absent from population databases. The currently available literature and clinical evidence are not sufficient to establish a definitive association between this variant and the reported condition. Therefore, this variant is classified as a variant of uncertain significance.

Labcorp Genetics (formerly Invitae), Labcorp
Classification: Uncertain significance for Ataxia-telangiectasia syndrome. Last evaluated: 2025-11-18. Review status: criteria provided, single submitter. Criteria: Invitae Variant Classification Sherloc (09022015). Collection method: clinical testing. Allele origin: germline.
Comment: This sequence change replaces lysine, which is basic and polar, with threonine, which is neutral and polar, at codon 940 of the ATM protein (p.Lys940Thr). This variant is not present in population databases (gnomAD no frequency). This missense change has been observed in individual(s) with colorectal cancer (PMID: 28135145). ClinVar contains an entry for this variant (Variation ID: 649794). Invitae Evidence Modeling of protein sequence and biophysical properties (such as structural, functional, and spatial information, amino acid conservation, physicochemical variation, residue mobility, and thermodynamic stability) indicates that this missense variant is not expected to disrupt ATM protein function with a negative predictive value of 95%. In summary, the available evidence is currently insufficient to determine the role of this variant in disease. Therefore, it has been classified as a Variant of Uncertain Significance.

Ambry Genetics
Classification: Uncertain significance for Hereditary cancer-predisposing syndrome. Last evaluated: 2025-06-30. Review status: criteria provided, single submitter. Criteria: Ambry Variant Classification Scheme 2023. Collection method: clinical testing. Allele origin: germline.
Comment: The p.K940T variant (also known as c.2819A>C), located in coding exon 17 of the ATM gene, results from an A to C substitution at nucleotide position 2819. The lysine at codon 940 is replaced by threonine, an amino acid with similar properties. This amino acid position is highly conserved in available vertebrate species. In addition, the in silico prediction for this alteration is inconclusive. Since supporting evidence is limited at this time, the clinical significance of this alteration remains unclear.

Baylor Genetics
Classification: Uncertain significance for Familial cancer of breast. Last evaluated: 2023-09-13. Review status: criteria provided, single submitter. Criteria: ACMG Guidelines, 2015. Collection method: clinical testing. Allele origin: unknown.

Mendelics
Classification: Uncertain significance. Last evaluated: 2022-05-04. Review status: criteria provided, single submitter. Criteria: Mendelics Assertion Criteria 2019. Collection method: clinical testing. Allele origin: germline.

Women's Health and Genetics/Laboratory Corporation of America, LabCorp
Classification: Uncertain significance. Last evaluated: 2021-11-08. Review status: criteria provided, single submitter. Criteria: LabCorp Variant Classification Summary - May 2015. Collection method: clinical testing. Allele origin: germline.
Comment: Variant summary: ATM c.2819A>C (p.Lys940Thr) results in a non-conservative amino acid change in the encoded protein sequence. Three of five in-silico tools predict a damaging effect of the variant on protein function. The variant was absent in 251380 control chromosomes (gnomAD). The available data on variant occurrences in the general population are insufficient to allow any conclusion about variant significance. To our knowledge c.2819A>C has not been reported in the literature in individuals affected with Breast Cancer but has been reported in one individual affected with colorectal cancer (Yurgelun_2017). To our knowledge, no experimental evidence demonstrating an impact on protein function has been reported. Two clinical diagnostic laboratories have submitted clinical-significance assessments for this variant to ClinVar after 2014 and classified the variant as uncertain significance. Based on the evidence outlined above, the variant was classified as uncertain significance.

Literature cited by the submitters: PubMed 28135145 (cited by Labcorp Genetics (formerly Invitae), Labcorp and Women's Health and Genetics/Laboratory Corporation of America, LabCorp).